The following is an entry in ClinVar:

NM_014639.4(SKIC3):c.3286A>G (p.Ile1096Val)

Gene: SKIC3 (SKI3 subunit of superkiller complex; minus strand). Cytogenetic location: 5q15.
Variant type: single nucleotide variant.
Coding change: c.3286A>G on transcript NM_014639.4 (MANE Select); coding-DNA position 3286, A replaced by G.
Protein change: p.Ile1096Val; replaces isoleucine 1096 with valine.
Molecular consequence: missense variant.
Genome position (GRCh38, 1-based): chr5:95,502,935, T>C on the plus strand (A>G on the coding strand, the complement: SKIC3 is on the minus strand). VCF-style: chr5-95502935-T-C. GRCh37 (hg19) VCF-style: chr5-94838639-T-C.
Other names: short protein forms I1096V.
Identifiers: ClinVar variation 1932148 (VCV001932148.2), dbSNP rs1184361939, ClinGen allele CA360452122.

ClinVar aggregate classification (germline): Uncertain significance (1 of 4 stars; one submission).

Allele frequency attached by ClinVar (database versions not stated): gnomAD exomes below 0.00001; TOPMed below 0.00001.
gnomAD v4.1: 4 of 1,614,112 alleles (0.00025%); highest among the groups gnomAD compares: African/African-American, 0.0027%; no homozygotes.

Submission:

Labcorp Genetics (formerly Invitae), Labcorp
Classification: Uncertain significance. Last evaluated: 2022-07-23. Review status: criteria provided, single submitter. Criteria: Invitae Variant Classification Sherloc (09022015). Collection method: clinical testing. Allele origin: germline.
Comment: This sequence change replaces isoleucine, which is neutral and non-polar, with valine, which is neutral and non-polar, at codon 1096 of the TTC37 protein (p.Ile1096Val). This variant is present in population databases (no rsID available, gnomAD 0.002%). This variant has not been reported in the literature in individuals affected with TTC37-related conditions. Algorithms developed to predict the effect of missense changes on protein structure and function (SIFT, PolyPhen-2, Align-GVGD) all suggest that this variant is likely to be tolerated. In summary, the available evidence is currently insufficient to determine the role of this variant in disease. Therefore, it has been classified as a Variant of Uncertain Significance.